The following is an entry in ClinVar:

ClinVar aggregate classification (germline): Pathogenic (1 of 4 stars; one submission).

Conditions:
Pontocerebellar hypoplasia type 1A (PCH1A). Also called: PONTOCEREBELLAR HYPOPLASIA WITH ANTERIOR HORN CELL DISEASE; PONTOCEREBELLAR HYPOPLASIA WITH INFANTILE SPINAL MUSCULAR ATROPHY. Identifiers: Orphanet 2254, Orphanet 88616, MedGen C1843504, MONDO:0011866, OMIM 607596.

Submission:

Labcorp Genetics (formerly Invitae), Labcorp
Classification: Pathogenic for Pontocerebellar hypoplasia type 1A. Last evaluated: 2021-07-21. Review status: criteria provided, single submitter. Criteria: Invitae Variant Classification Sherloc (09022015). Collection method: clinical testing. Allele origin: germline.
Comment: For these reasons, this variant has been classified as Pathogenic. This variant disrupts a region of the VRK1 protein in which other variant(s) (p.Arg387His) have been determined to be pathogenic (PMID: 31837156; Invitae). This suggests that this is a clinically significant region of the protein, and that variants that disrupt it are likely to be disease-causing. This variant has not been reported in the literature in individuals affected with VRK1-related conditions. This variant is not present in population databases (ExAC no frequency). This sequence change results in a frameshift in the VRK1 gene (p.Thr378Argfs*48). While this is not anticipated to result in nonsense mediated decay, it is expected to disrupt the last 19 amino acid(s) of the VRK1 protein and extend the protein by 28 additional amino acid residues.

Literature cited by the submitters: PubMed 31837156.

NM_003384.3(VRK1):c.1133_1136del (p.Thr378fs)

Gene: VRK1 (VRK serine/threonine kinase 1; plus strand). Cytogenetic location: 14q32.2.
Variant type: Microsatellite.
Coding change: c.1133_1136del on transcript NM_003384.3 (MANE Select); coding-DNA positions 1133 to 1136, 4 bases deleted (CACA; older notation c.1133_1136delCACA).
Protein change: p.Thr378fs; shifts the reading frame from threonine 378.
Molecular consequence: frameshift variant.
Genome position (GRCh38, 1-based): chr14:96,876,094-96,876,097, CACA deleted; deleting any 4 consecutive bases within chr14:96,876,091-96,876,097 gives the same sequence; the c. name uses the placement nearest the transcript's 3' end. VCF-style (leftmost placement, unchanged base first): chr14-96876090-AACAC-A. GRCh37 (hg19) VCF-style: chr14-97342427-AACAC-A.
Other names: short protein forms T378fs.
Identifiers: ClinVar variation 1453248 (VCV001453248.7), dbSNP rs1889019962, ClinGen allele CA2575620482.